The following is an entry in ClinVar:

NM_001386140.1(MTTP):c.185A>C (p.Asn62Thr)

Gene: MTTP (microsomal triglyceride transfer protein; plus strand). Cytogenetic location: 4q23.
Variant type: single nucleotide variant.
Coding change: c.185A>C on transcript NM_001386140.1 (MANE Select); coding-DNA position 185, A replaced by C.
Protein change: p.Asn62Thr; replaces asparagine 62 with threonine.
Molecular consequence: missense variant. On other transcripts: 5 prime UTR variant (1).
Genome position (GRCh38, 1-based): chr4:99,582,028, A>C. VCF-style: chr4-99582028-A-C. GRCh37 (hg19) VCF-style: chr4-100503185-A-C.
Other names: c.185A>C, p.Asn62Thr (NM_000253.4); c.-65A>C (NM_001300785.2); short protein forms N62T.
Identifiers: ClinVar variation 2158961 (VCV002158961.4), dbSNP rs755219735, ClinGen allele CA357500935.
Genomic context (GRCh38, chr4:99,582,028, plus strand): 5'-TTCTTCTTGATCGGGGCAAAGGAAAACTGCAAGACAGCGTGGGCTACCGCATTTCCTCCA[A>C]CGTGGATGTGGCCTTACTATGGAGGAATCCTGATGGTGATGATGACCAGTTGATCCAAAT-3'
Protein context (NP_001373069.1, residues 52-72): QDSVGYRISS[Asn62Thr]VDVALLWRNP

ClinVar aggregate classification (germline): Uncertain significance (1 of 4 stars; one submission).

gnomAD v4.1: 1 of 1,614,202 alleles (0.000062%); highest among the groups gnomAD compares: Non-Finnish European, 0.000085%; no homozygotes.

Submission:

Labcorp Genetics (formerly Invitae), Labcorp
Classification: Uncertain significance. Last evaluated: 2022-02-02. Review status: criteria provided, single submitter. Criteria: Invitae Variant Classification Sherloc (09022015). Collection method: clinical testing. Allele origin: germline.
Comment: In summary, the available evidence is currently insufficient to determine the role of this variant in disease. Therefore, it has been classified as a Variant of Uncertain Significance. This sequence change replaces asparagine, which is neutral and polar, with threonine, which is neutral and polar, at codon 62 of the MTTP protein (p.Asn62Thr). This variant is present in population databases (no rsID available, gnomAD 0.0009%). This variant has not been reported in the literature in individuals affected with MTTP-related conditions. Algorithms developed to predict the effect of missense changes on protein structure and function (SIFT, PolyPhen-2, Align-GVGD) all suggest that this variant is likely to be tolerated.